The following is an entry in ClinVar:

NM_005618.4(DLL1):c.1366G>A (p.Gly456Ser)

Gene: DLL1 (delta like canonical Notch ligand 1; minus strand). Cytogenetic location: 6q27.
Variant type: single nucleotide variant.
Coding change: c.1366G>A on transcript NM_005618.4 (MANE Select); coding-DNA position 1366, G replaced by A.
Protein change: p.Gly456Ser; replaces glycine 456 with serine.
Molecular consequence: missense variant.
Genome position (GRCh38, 1-based): chr6:170,283,913, C>T on the plus strand (G>A on the coding strand, the complement: DLL1 is on the minus strand). VCF-style: chr6-170283913-C-T. GRCh37 (hg19) VCF-style: chr6-170593001-C-T.
Other names: short protein forms G456S.
Identifiers: ClinVar variation 1708567 (VCV001708567.2), dbSNP rs1428888841, ClinGen allele CA366507421.

ClinVar aggregate classification (germline): Uncertain significance (1 of 4 stars; one submission).

Allele frequency attached by ClinVar (database versions not stated): gnomAD exomes below 0.00001.
gnomAD v4.1: 3 of 1,602,712 alleles (0.00019%); highest among the groups gnomAD compares: African/African-American, 0.0013%; no homozygotes.

Submission:

GeneDx
Classification: Uncertain significance. Last evaluated: 2022-04-06. Review status: criteria provided, single submitter. Criteria: GeneDx Variant Classification Process June 2021. Collection method: clinical testing. Allele origin: germline. Affected: yes.
Comment: Not observed at significant frequency in large population cohorts (gnomAD); In silico analysis supports that this missense variant has a deleterious effect on protein structure/function; Has not been previously published as pathogenic or benign to our knowledge